The following is an entry in ClinVar:

ClinVar aggregate classification (germline): Uncertain significance. Review status: criteria provided, multiple submitters, no conflicts (2 of 4 stars). 2 submissions from 2 submitters: Uncertain significance (2). Last evaluated 2025-02-06.

Conditions:
Primary dilated cardiomyopathy (DCM). Also called: Dilated Cardiomyopathy. Identifiers: Orphanet 217604, MedGen C0007193, MeSH D002311, MONDO:0005021, HP:0001644. Inheritance: Various modes of inheritance.

Allele frequency attached by ClinVar (database versions not stated): gnomAD exomes below 0.00001; gnomAD 0.00001; TOPMed 0.00001.
gnomAD v4.1: 4 of 1,609,848 alleles (0.00025%); highest among the groups gnomAD compares: Non-Finnish European, 0.00025%; no homozygotes.

Submissions (2):

Labcorp Genetics (formerly Invitae), Labcorp
Classification: Uncertain significance for Primary dilated cardiomyopathy. Last evaluated: 2025-02-06. Review status: criteria provided, single submitter. Criteria: Invitae Variant Classification Sherloc (09022015). Collection method: clinical testing. Allele origin: germline.
Comment: This sequence change replaces alanine, which is neutral and non-polar, with aspartic acid, which is acidic and polar, at codon 440 of the NEBL protein (p.Ala440Asp). This variant is not present in population databases (gnomAD no frequency). This variant has not been reported in the literature in individuals affected with NEBL-related conditions. ClinVar contains an entry for this variant (Variation ID: 1769843). An algorithm developed to predict the effect of missense changes on protein structure and function (PolyPhen-2) suggests that this variant is likely to be disruptive. In summary, the available evidence is currently insufficient to determine the role of this variant in disease. Therefore, it has been classified as a Variant of Uncertain Significance.

Ambry Genetics
Classification: Uncertain significance. Last evaluated: 2024-03-15. Review status: criteria provided, single submitter. Criteria: Ambry Variant Classification Scheme 2023. Collection method: clinical testing. Allele origin: germline.
Comment: The p.A440D variant (also known as c.1319C>A), located in coding exon 13 of the NEBL gene, results from a C to A substitution at nucleotide position 1319. The alanine at codon 440 is replaced by aspartic acid, an amino acid with dissimilar properties. This amino acid position is conserved. In addition, the in silico prediction for this alteration is inconclusive. Since supporting evidence is limited at this time, the clinical significance of this alteration remains unclear.

NM_006393.3(NEBL):c.1319C>A (p.Ala440Asp)

Gene: NEBL (nebulette; minus strand). Cytogenetic location: 10p12.31.
Variant type: single nucleotide variant.
Coding change: c.1319C>A on transcript NM_006393.3 (MANE Select); coding-DNA position 1319, C replaced by A.
Protein change: p.Ala440Asp; replaces alanine 440 with aspartic acid.
Molecular consequence: missense variant. On other transcripts: intron variant (9).
Genome position (GRCh38, 1-based): chr10:20,840,758, G>T on the plus strand (C>A on the coding strand, the complement: NEBL is on the minus strand). VCF-style: chr10-20840758-G-T. GRCh37 (hg19) VCF-style: chr10-21129687-G-T.
Other names: c.250-27818C>A (NM_001377326.1, NM_001377327.1, NM_001377328.1); c.358-27818C>A (NM_213569.2, NM_001173484.2, NM_001377322.1); c.301-27818C>A (NM_001377324.1); c.292-27818C>A (NM_001377325.1); c.310-27818C>A (NM_001377323.1); short protein forms A440D.
Identifiers: ClinVar variation 1769843 (VCV001769843.3), dbSNP rs1284618007, ClinGen allele CA376099082.